The following is an entry in ClinVar:

NM_001014342.3(FLG2):c.2016T>G (p.Val672=)

Genes: CCDST (cervical cancer associated DHX9 suppressive transcript; plus strand), FLG2 (filaggrin 2; minus strand). Cytogenetic location: 1q21.3.
Variant type: single nucleotide variant.
Coding change: c.2016T>G on transcript NM_001014342.3 (MANE Select); coding-DNA position 2016, T replaced by G.
Protein change: p.Val672=; no amino-acid change (valine 672 retained).
Molecular consequence: synonymous variant.
Genome position (GRCh38, 1-based): chr1:152,355,770, A>C on the plus strand (T>G on the coding strand, the complement: FLG2 is on the minus strand). VCF-style: chr1-152355770-A-C. GRCh37 (hg19) VCF-style: chr1-152328246-A-C.
Identifiers: ClinVar variation 3387952 (VCV003387952.15).

ClinVar aggregate classification (germline): Likely benign. Review status: criteria provided, multiple submitters, no conflicts (2 of 4 stars). 2 submissions from 2 submitters: Likely benign (2). Last evaluated 2025-12-01.

Submissions (2):

CeGaT Center for Human Genetics Tuebingen
Classification: Likely benign. Last evaluated: 2025-12-01. Review status: criteria provided, single submitter. Criteria: CeGaT Center For Human Genetics Tuebingen Variant Classification Criteria Version 2. Collection method: clinical testing. Allele origin: germline. Affected: yes. Observed: 2 variant alleles.
Comment: FLG2: BP4, BP7

Blueprint Genetics
Classification: Likely benign. Last evaluated: 2024-11-21. Review status: criteria provided, single submitter. Criteria: ACMG Guidelines, 2015. Collection method: clinical testing. Allele origin: germline.